The following is an entry in ClinVar:

ClinVar aggregate classification (germline): Uncertain significance (1 of 4 stars; one submission).

Allele frequency attached by ClinVar (database versions not stated): gnomAD exomes below 0.00001; gnomAD 0.00001; TOPMed 0.00001.
gnomAD v4.1: 4 of 1,611,842 alleles (0.00025%); highest among the groups gnomAD compares: African/African-American, 0.0027%; no homozygotes.

Submission:

Labcorp Genetics (formerly Invitae), Labcorp
Classification: Uncertain significance. Last evaluated: 2022-12-06. Review status: criteria provided, single submitter. Criteria: Invitae Variant Classification Sherloc (09022015). Collection method: clinical testing. Allele origin: germline.
Comment: In summary, the available evidence is currently insufficient to determine the role of this variant in disease. Therefore, it has been classified as a Variant of Uncertain Significance. Advanced modeling of protein sequence and biophysical properties (such as structural, functional, and spatial information, amino acid conservation, physicochemical variation, residue mobility, and thermodynamic stability) performed at Invitae indicates that this missense variant is not expected to disrupt EXTL3 protein function. ClinVar contains an entry for this variant (Variation ID: 1508036). This variant has not been reported in the literature in individuals affected with EXTL3-related conditions. This variant is present in population databases (no rsID available, gnomAD 0.007%). This sequence change replaces phenylalanine, which is neutral and non-polar, with leucine, which is neutral and non-polar, at codon 593 of the EXTL3 protein (p.Phe593Leu).

NM_001440.4(EXTL3):c.1779C>G (p.Phe593Leu)

Gene: EXTL3 (exostosin like glycosyltransferase 3; plus strand). Cytogenetic location: 8p21.1.
Variant type: single nucleotide variant.
Coding change: c.1779C>G on transcript NM_001440.4 (MANE Select); coding-DNA position 1779, C replaced by G.
Protein change: p.Phe593Leu; replaces phenylalanine 593 with leucine.
Molecular consequence: missense variant.
Genome position (GRCh38, 1-based): chr8:28,717,838, C>G. VCF-style: chr8-28717838-C-G. GRCh37 (hg19) VCF-style: chr8-28575355-C-G.
Other names: short protein forms F593L.
Identifiers: ClinVar variation 1508036 (VCV001508036.8), dbSNP rs1479689005, ClinGen allele CA370860788.